The following is an entry in ClinVar:

ClinVar aggregate classification (germline): Uncertain significance. Review status: reviewed by expert panel (3 of 4 stars). 2 submissions from 2 submitters: Uncertain significance (1). 1 of the submissions does not count toward it. Last evaluated 2025-04-28.

Conditions:
Cerebral creatine deficiency syndrome. Also called: Creatine deficiency syndromes. Identifiers: Orphanet 79172, MedGen C5244016, MONDO:0000456.
Deficiency of guanidinoacetate methyltransferase (CCDS2). Also called: GAMT DEFICIENCY; CEREBRAL CREATINE DEFICIENCY SYNDROME 2; Guanidinoacetate Methyltransferase (GAMT) Deficiency. Identifiers: Orphanet 382, MedGen C0574080, MONDO:0012999, OMIM 612736.

Allele frequency attached by ClinVar (database versions not stated): gnomAD 0.00001.
gnomAD v4.1: 1 of 1,611,688 alleles (0.000062%); highest among the groups gnomAD compares: African/African-American, 0.0013%; no homozygotes.

Submissions (2):

ClinGen Cerebral Creatine Deficiency Syndromes Variant Curation Expert Panel, ClinGen
Classification: Uncertain significance for Deficiency of guanidinoacetate methyltransferase. Last evaluated: 2025-04-28. Review status: reviewed by expert panel. Criteria: ClinGen CCDS ACMG Specifications GAMT V2.0.0. Collection method: curation. Allele origin: germline. Inheritance: Autosomal recessive inheritance.
Comment: The NM_000156.6:c.701C>T variant in GAMT is a missense variant predicted to cause substitution of threonine by isoleucine at amino acid 234 (p.Thr234Ile). The highest population minor allele frequency in gnomAD v4.1.0. is 0.00001335 (1/74914 alleles) in the African / African American population, which is lower than the ClinGen CCDS VCEP's threshold for PM2_Supporting (<0.0004), meeting this criterion (PM2_Supporting). The computational predictor REVEL gives a score of 0.268 which is below the threshold of 0.29, evidence that does not predict a damaging effect on GAMT function (BP4). SpliceAI predicts that the variant will have no impact on splicing. To our knowledge, this variant has not been reported in the published literature. It has been previously noted in ClinVar (ID 544252). In summary, this variant meets the criteria to be classified as a variant of uncertain significance for GAMT deficiency. GAMT-specific ACMG/AMP codes met, as specified by the ClinGen Cerebral Creatine Deficiency Syndromes VCEP (Specifications Version 2.0.0): PM2_Supporting, BP4. (Classification approved by the ClinGen CCDS VCEP on April 28, 2025).

Labcorp Genetics (formerly Invitae), Labcorp
Classification: Uncertain significance for Cerebral creatine deficiency syndrome. Last evaluated: 2022-03-19. Review status: criteria provided, single submitter. Criteria: Invitae Variant Classification Sherloc (09022015). Collection method: clinical testing. Allele origin: germline. Not counted in ClinVar's aggregate classification.
Comment: This sequence change replaces threonine, which is neutral and polar, with isoleucine, which is neutral and non-polar, at codon 234 of the GAMT protein (p.Thr234Ile). This variant is present in population databases (no rsID available, gnomAD 0.01%). This variant has not been reported in the literature in individuals affected with GAMT-related conditions. ClinVar contains an entry for this variant (Variation ID: 544252). Algorithms developed to predict the effect of missense changes on protein structure and function (SIFT, PolyPhen-2, Align-GVGD) all suggest that this variant is likely to be tolerated. In summary, the available evidence is currently insufficient to determine the role of this variant in disease. Therefore, it has been classified as a Variant of Uncertain Significance.

NM_000156.6(GAMT):c.701C>T (p.Thr234Ile)

Gene: GAMT (guanidinoacetate N-methyltransferase; minus strand). Cytogenetic location: 19p13.3.
Variant type: single nucleotide variant.
Coding change: c.701C>T on transcript NM_000156.6 (MANE Select); coding-DNA position 701, C replaced by T.
Protein change: p.Thr234Ile; replaces threonine 234 with isoleucine.
Molecular consequence: missense variant.
Genome position (GRCh38, 1-based): chr19:1,397,369, G>A on the plus strand (C>T on the coding strand, the complement: GAMT is on the minus strand). VCF-style: chr19-1397369-G-A. GRCh37 (hg19) VCF-style: chr19-1397368-G-A.
Other names: NM_000156.6(GAMT):c.701C>T; p.Thr234Ile; short protein forms T234I.
Identifiers: ClinVar variation 544252 (VCV000544252.9), dbSNP rs1401966018, ClinGen allele CA402990219.
Genomic context (GRCh38, chr19:1,397,369, plus strand): 5'-CCAGGAAGGCACGGAGGAGGGCATGGGTGTGGCCGGGCCGGGGTGGGGGCTCAGCCTTTG[G>A]TCACCAGGGGCGTGATCATCTGTGGGAAGGCGTAGTAGCGGCAGTCGGCCGGTGGGACCA-3'
Protein context (NP_000147.1, residues 224-236): AFPQMITPLV[Thr234Ile]KG